The following is an entry in ClinVar:

NR_003051.3(RMRP):n.-16_-4dupGTGAAGCTGAGGA

Gene: RMRP (RNA component of mitochondrial RNA processing endoribonuclease; minus strand). Cytogenetic location: 9p13.3.
Variant type: Duplication.
Genome position: GRCh38 VCF-style: chr9-35658021-G-GTCCTCAGCTTCAC. GRCh37 (hg19) VCF-style: chr9-35658018-G-GTCCTCAGCTTCAC.
Identifiers: ClinVar variation 551626 (VCV000551626.13), dbSNP rs1554651422, ClinGen allele CA658821599.

ClinVar aggregate classification (germline): Pathogenic/Likely pathogenic. Review status: criteria provided, multiple submitters, no conflicts (2 of 4 stars). 4 submissions from 4 submitters: Pathogenic (1); Likely pathogenic (2). 1 of the submissions does not count toward it. Last evaluated 2026-01-17.

Conditions:
Anauxetic dysplasia. Identifiers: Orphanet 93347, MedGen C1846796, MONDO:0011773.
Metaphyseal chondrodysplasia, McKusick type (CHH). Also called: Cartilage-hair hypoplasia; Cartilage-Hair Hypoplasia (CHH). Identifiers: Orphanet 175, MedGen C0220748, MONDO:0009595, OMIM 250250.

Allele frequency attached by ClinVar (database versions not stated): gnomAD exomes 0.00001; gnomAD 0.00001.

Submissions (4):

Labcorp Genetics (formerly Invitae), Labcorp
Classification: Pathogenic for Anauxetic dysplasia. Last evaluated: 2026-01-17. Review status: criteria provided, single submitter. Criteria: Invitae Variant Classification Sherloc (09022015). Collection method: clinical testing. Allele origin: germline.
Comment: This variant occurs in the RMRP gene, which encodes an RNA molecule that does not result in a protein product. This variant is not present in population databases (gnomAD no frequency). While this particular variant has not been reported in the literature, it is located in the promoter region between the TATA box and the transcription initiation site, and other insertions and duplications immediately upstream of the coding sequence have been reported in individuals affected with cartilage-hair hypoplasia-anauxetic dysplasia (CHH-AD) spectrum disorders (PMID: 16244706, 11207361, 12107819). ClinVar contains an entry for this variant (Variation ID: 551626). While functional studies for this variant have not been reported, experimental analyses using patient derived cells, as well as in vitro transfection studies, have shown that promoter insertions result in silencing of RMRP transcription and reduced expression of the gene product (PMID: 11207361, 16254002). For these reasons, this variant has been classified as Pathogenic.

Natera, Inc.
Classification: Likely pathogenic for Cartilage-hair hypoplasia. Last evaluated: 2024-12-31. Review status: criteria provided, single submitter. Criteria: Natera Variant Classification Schema (03/2026). Collection method: clinical testing. Allele origin: germline.
Comment: The n.-16_-4dupGTGAAGCTGAGGA variant in RMRP is a duplication affecting the RMRP promoter region between the TATA box and the transcription initiation site. Other duplications and insertions just upstream of the transcription initiation site have been reported in individuals affected with cartilage-hair hypoplasia (PMID: 11207361, 17937437). This variant is rare in the general population with a frequency below the threshold expected for the associated phenotype(s). Given the available evidence, this variant is classified as Likely Pathogenic.

Women's Health and Genetics/Laboratory Corporation of America, LabCorp
Classification: Likely pathogenic for Metaphyseal chondrodysplasia, McKusick type. Last evaluated: 2018-11-15. Review status: criteria provided, single submitter. Criteria: LabCorp Variant Classification Summary - May 2015. Collection method: clinical testing. Allele origin: germline.
Comment: Variant summary: RMRP n.-16_-4dup13 variant involves the duplication of 13 nucleotides in the promoter region of RMRP, which is located between the TATA box (-33 to -25) and the transcription initiation site. Multiple duplication variants in this promoter region have been reported pathogenic (internally and in HGMD). The variant was absent in 127578 control chromosomes in gnomAD. To our knowledge, no occurrence of n.-16_-4dup13 in individuals affected with Cartilage-Hair Hypoplasia and no experimental evidence demonstrating its impact on protein function have been reported. One clinical diagnostic laboratory has submitted clinical-significance assessments for this variant to ClinVar after 2014 without evidence for independent evaluation, and classified the variant as likely pathogenic. Based on the evidence outlined above, the variant was classified as likely pathogenic.

Counsyl
Classification: Likely pathogenic for Metaphyseal chondrodysplasia, McKusick type. Last evaluated: 2017-04-20. Review status: no assertion criteria provided. Collection method: clinical testing. Allele origin: unknown. Not counted in ClinVar's aggregate classification.

Literature cited by the submitters: PubMed 16244706 (cited by Labcorp Genetics (formerly Invitae), Labcorp); PubMed 11207361 (cited by 3 submitters); PubMed 12107819 (cited by Labcorp Genetics (formerly Invitae), Labcorp); PubMed 16254002 (cited by Labcorp Genetics (formerly Invitae), Labcorp and Counsyl); PubMed 17937437 (cited by Natera, Inc. and Counsyl); PubMed 14608646 (cited by Counsyl).